The following is an entry in ClinVar:

ClinVar aggregate classification (germline): Conflicting classifications of pathogenicity. Review status: criteria provided, conflicting classifications (1 of 4 stars). 4 submissions from 4 submitters: Uncertain significance (3); Likely benign (1). Last evaluated 2026-02-12.

Conditions:
Inborn genetic diseases. Identifiers: MedGen C0950123, MeSH D030342.
Van Maldergem syndrome 1 (VMLDS1). Also called: Van Maldergem syndrome 1 (VMLDS1). Identifiers: Orphanet 314679, MedGen C4551950, MONDO:0011070, OMIM 601390.

Allele frequency attached by ClinVar (database versions not stated): TOPMed 0.00003; gnomAD exomes 0.00005 and 0.00007; ExAC 0.00010; ESP Exome Variant Server 0.00015.
gnomAD v4.1: 72 of 1,613,610 alleles (0.0045%); highest among the groups gnomAD compares: Non-Finnish European, 0.006%; no homozygotes.

Submissions (4):

Clinical Genomics Laboratory, Washington University in St. Louis
Classification: Uncertain significance for Van Maldergem syndrome 1. Last evaluated: 2026-02-12. Review status: criteria provided, single submitter. Criteria: ACMG Guidelines, 2015. Collection method: clinical testing. Allele origin: germline.
Comment: A DCHS1 c.1855G>A (p.Ala619Thr) variant was identified at a near heterozygous allelic fraction of 49.4%, a frequency which may be consistent with germline origin. This variant, to our knowledge, has not been reported in the medical literature. It has been reported in the ClinVar database as a germline variant of uncertain significance by one submitter and a germline likely benign variant by one submitter (Variation ID: 1547260). It is only observed on 72/1,613,610 alleles in the general population (gnomAD v4.1.0), indicating it is not a common variant. Computational predictors suggest that the variant does not impact DCHS1 function. Due to limited information and based on the ACMG/AMP guidelines for variant interpretation (Richards S et al., PMID: 25741868), the clinical significance of this variant is uncertain at this time.

Labcorp Genetics (formerly Invitae), Labcorp
Classification: Likely benign. Last evaluated: 2025-12-24. Review status: criteria provided, single submitter. Criteria: Invitae Variant Classification Sherloc (09022015). Collection method: clinical testing. Allele origin: germline.

Ambry Genetics
Classification: Uncertain significance for Inborn genetic diseases. Last evaluated: 2025-04-29. Review status: criteria provided, single submitter. Criteria: Ambry Variant Classification Scheme 2023. Collection method: clinical testing. Allele origin: germline.

Blueprint Genetics
Classification: Uncertain significance. Last evaluated: 2024-02-07. Review status: criteria provided, single submitter. Criteria: ACMG Guidelines, 2015. Collection method: clinical testing. Allele origin: germline.

NM_003737.4(DCHS1):c.1855G>A (p.Ala619Thr)

Gene: DCHS1 (dachsous cadherin-related 1; minus strand). Cytogenetic location: 11p15.4.
Variant type: single nucleotide variant.
Coding change: c.1855G>A on transcript NM_003737.4 (MANE Select); coding-DNA position 1855, G replaced by A.
Protein change: p.Ala619Thr; replaces alanine 619 with threonine.
Molecular consequence: missense variant.
Genome position (GRCh38, 1-based): chr11:6,634,249, C>T on the plus strand (G>A on the coding strand, the complement: DCHS1 is on the minus strand). VCF-style: chr11-6634249-C-T. GRCh37 (hg19) VCF-style: chr11-6655480-C-T.
Other names: c.1855G>A (NM_003737.2); short protein forms A619T.
Identifiers: ClinVar variation 1547260 (VCV001547260.10), dbSNP rs150309662, ClinGen allele CA5860873.